The following is an entry in ClinVar:

NM_012434.5(SLC17A5):c.1259+1G>A

Gene: SLC17A5 (solute carrier family 17 member 5; minus strand). Cytogenetic location: 6q13.
Variant type: single nucleotide variant.
Coding change: c.1259+1G>A on transcript NM_012434.5 (MANE Select); the canonical splice donor site of the intron after coding-DNA position 1259, G replaced by A.
Molecular consequence: splice donor variant.
Genome position (GRCh38, 1-based): chr6:73,610,399, C>T on the plus strand (G>A on the coding strand, the complement: SLC17A5 is on the minus strand). VCF-style: chr6-73610399-C-T. GRCh37 (hg19) VCF-style: chr6-74320122-C-T.
Other names: c.941+1G>A (NM_001382636.1); c.1028+1G>A (NM_001382629.1); c.1172+1G>A (NM_001382632.1); c.1256+1G>A (NM_001382635.1); c.1100+1G>A (NM_001382634.1); c.1259+1G>A (NM_001382630.1, NM_001382633.1); c.1280+1G>A (NM_001382631.1).
Identifiers: ClinVar variation 370393 (VCV000370393.19), dbSNP rs146095590, ClinGen allele CA16041077.

ClinVar aggregate classification (germline): Pathogenic/Likely pathogenic. Review status: criteria provided, multiple submitters, no conflicts (2 of 4 stars). 8 submissions from 8 submitters: Pathogenic (5); Likely pathogenic (1). 2 of the submissions do not count toward it. Last evaluated 2025-08-09.

Conditions:
Salla disease (SD). Also called: Sialuria, Finnish type; N-acetylneuraminic acid (NANA) storage disease (NSD); Infantile sialic acid storage disorder (ISSD); Less Severe FSASD (Salla Disease). Identifiers: Orphanet 309334, Orphanet 834, MedGen C1096903, MONDO:0011449, OMIM 604369.
Sialic acid storage disease, severe infantile type (ISSD). Also called: Infantile Sialic Acid Storage Disease; Free sialic acid storage disease, infantile form; INFANTILE SIALIC ACID STORAGE DISORDER; N-ACETYLNEURAMINIC ACID STORAGE DISEASE; NANA STORAGE DISEASE; SIALURIA, INFANTILE FORM. Identifiers: Orphanet 309324, Orphanet 834, MedGen C1096902, MONDO:0010027, OMIM 269920.

Allele frequency attached by ClinVar (database versions not stated): TOPMed below 0.00001; gnomAD exomes 0.00001; ESP Exome Variant Server 0.00008.
gnomAD v4.1: 15 of 1,613,778 alleles (0.00093%); highest among the groups gnomAD compares: Non-Finnish European, 0.0012%; no homozygotes.

Submissions (10):

Natera, Inc.
Classification: Pathogenic for Salla disease. Last evaluated: 2025-08-09. Review status: criteria provided, single submitter. Criteria: Natera Variant Classification Schema (03/2026). Collection method: clinical testing. Allele origin: germline.
Comment: The c.1259+1G>A variant in SLC17A5 is a canonical splice donor site variant predicted to affect pre-mRNA splicing, which may result in an abnormal transcript and altered protein product. This variant is expected to result in nonsense mediated decay, truncation, or a dysfunctional protein product. This variant is rare in the general population with a frequency below the threshold expected for the associated phenotype(s). This variant has been observed in one or more individuals affected with the associated recessive disease, as either homozygous or compound heterozygous with a second variant (PMID: 15805149). Given the available evidence, this variant is classified as Pathogenic.

Labcorp Genetics (formerly Invitae), Labcorp
Classification: Pathogenic for Salla disease. Last evaluated: 2023-12-18. Review status: criteria provided, single submitter. Criteria: Invitae Variant Classification Sherloc (09022015). Collection method: clinical testing. Allele origin: germline.
Comment: This sequence change affects a donor splice site in intron 9 of the SLC17A5 gene. RNA analysis indicates that disruption of this splice site induces altered splicing and may result in an absent or disrupted protein product. This variant is present in population databases (rs146095590, gnomAD 0.0009%). Disruption of this splice site has been observed in individuals with free sialic acid storage disorders (PMID: 12794688, 15805149). This variant is also known as IVS9+1G>A. ClinVar contains an entry for this variant (Variation ID: 370393). Studies have shown that disruption of this splice site results in skipping of exon 9 and introduces a premature termination codon (PMID: 12794688). The resulting mRNA is expected to undergo nonsense-mediated decay. For these reasons, this variant has been classified as Pathogenic.

Baylor Genetics
Classification: Pathogenic for Salla disease. Last evaluated: 2023-08-07. Review status: criteria provided, single submitter. Criteria: ACMG Guidelines, 2015. Collection method: clinical testing. Allele origin: unknown.

Revvity Omics, Revvity
Classification: Pathogenic. Last evaluated: 2022-03-31. Review status: criteria provided, single submitter. Criteria: ACMG Guidelines, 2015. Collection method: clinical testing. Allele origin: germline.

Women's Health and Genetics/Laboratory Corporation of America, LabCorp
Classification: Likely pathogenic for Salla disease. Last evaluated: 2020-11-23. Review status: criteria provided, single submitter. Criteria: LabCorp Variant Classification Summary - May 2015. Collection method: clinical testing. Allele origin: germline.
Comment: Variant summary: SLC17A5 c.1259+1G>A is located in a canonical splice-site and is predicted to affect mRNA splicing resulting in a significantly altered protein due to either exon skipping, shortening, or inclusion of intronic material. Several computational tools predict a significant impact on normal splicing: Four predict the variant abolishes a 5' splicing donor site. However, these predictions have yet to be confirmed by functional studies. The variant allele was found at a frequency of 8e-06 in 251382 control chromosomes. c.1259+1G>A has been reported in the literature in individuals affected with Sialic Acid Storage Disorder (example, Kleta_2003, Froissart_2005). To our knowledge, no experimental evidence demonstrating an impact on protein function has been reported. One clinical diagnostic laboratory has submitted clinical-significance assessments for this variant to ClinVar after 2014 without evidence for independent evaluation and classified the variant as likely pathogenic. Based on the evidence outlined above, the variant was classified as likely pathogenic.

Juno Genomics, Hangzhou Juno Genomics, Inc
Classification: Pathogenic for Salla disease; Sialic acid storage disease, severe infantile type. Review status: criteria provided, single submitter. Criteria: ACMG Guidelines, 2015. Collection method: clinical testing. Allele origin: germline.
Comment: Absent from controls (or at extremely low frequency if recessive) in Genome Aggregation Database.;Null variant in a gene where loss of function (LOF) is a known mechanism of disease.;For recessive disorders, detected in trans with a pathogenic variant.

Counsyl
Classification: Likely pathogenic for Salla disease. Last evaluated: 2016-02-02. Review status: no assertion criteria provided. Collection method: clinical testing. Allele origin: unknown. Not counted in ClinVar's aggregate classification.

OMIM
Classification: Pathogenic for INFANTILE SIALIC ACID STORAGE DISORDER. Last evaluated: 2003-07-01. Review status: no assertion criteria provided. Collection method: literature only. Allele origin: germline. Not counted in ClinVar's aggregate classification.

Dr. Peter K. Rogan Lab, Western University
No classification provided (evidence only). Condition: Familial cancer of breast. Review status: no classification provided. Collection method: in vitro. Allele origin: not applicable. Functional consequence: skipped exon, retained intron. Not counted in ClinVar's aggregate classification.

Dr. Peter K. Rogan Lab, Western University
No classification provided (evidence only). Condition: Colon adenocarcinoma. Review status: no classification provided. Collection method: in vitro. Allele origin: not applicable. Functional consequence: skipped exon. Not counted in ClinVar's aggregate classification.

Literature cited by the submitters: PubMed 15805149 (cited by 4 submitters); PubMed 12794688 (cited by 4 submitters); PubMed 10947946 (cited by Counsyl); PubMed 10581036 (cited by Counsyl and OMIM).